The following is an entry in ClinVar:

NM_139318.5(KCNH5):c.1186A>G (p.Ile396Val)

Gene: KCNH5 (potassium voltage-gated channel subfamily H member 5; minus strand). Cytogenetic location: 14q23.2.
Variant type: single nucleotide variant.
Coding change: c.1186A>G on transcript NM_139318.5 (MANE Select); coding-DNA position 1186, A replaced by G.
Protein change: p.Ile396Val; replaces isoleucine 396 with valine.
Molecular consequence: missense variant.
Genome position (GRCh38, 1-based): chr14:62,950,316, T>C on the plus strand (A>G on the coding strand, the complement: KCNH5 is on the minus strand). VCF-style: chr14-62950316-T-C. GRCh37 (hg19) VCF-style: chr14-63417034-T-C.
Other names: c.1186A>G, p.Ile396Val (NM_172375.3); short protein forms I396V.
Identifiers: ClinVar variation 3695025 (VCV003695025.2).

ClinVar aggregate classification (germline): Uncertain significance (1 of 4 stars; one submission).

Conditions:
Early-infantile DEE. Also called: Early infantile epileptic encephalopathy with suppression bursts; Early infantile epileptic encephalopathy; Ohtahara syndrome. Identifiers: Orphanet 1934, MedGen C0393706, MONDO:0800491.

gnomAD v4.1: 12 of 1,614,036 alleles (0.00074%); highest among the groups gnomAD compares: Non-Finnish European, 0.001%; no homozygotes.

Submission:

Labcorp Genetics (formerly Invitae), Labcorp
Classification: Uncertain significance for Early-infantile DEE. Last evaluated: 2024-12-28. Review status: criteria provided, single submitter. Criteria: Invitae Variant Classification Sherloc (09022015). Collection method: clinical testing. Allele origin: germline.
Comment: This sequence change replaces isoleucine, which is neutral and non-polar, with valine, which is neutral and non-polar, at codon 396 of the KCNH5 protein (p.Ile396Val). This variant is not present in population databases (gnomAD no frequency). This variant has not been reported in the literature in individuals affected with KCNH5-related conditions. Invitae Evidence Modeling of protein sequence and biophysical properties (such as structural, functional, and spatial information, amino acid conservation, physicochemical variation, residue mobility, and thermodynamic stability) indicates that this missense variant is not expected to disrupt KCNH5 protein function with a negative predictive value of 95%. In summary, the available evidence is currently insufficient to determine the role of this variant in disease. Therefore, it has been classified as a Variant of Uncertain Significance.